The following is an entry in ClinVar:

ClinVar aggregate classification (germline): Uncertain significance (1 of 4 stars; one submission).

Conditions:
COG5-congenital disorder of glycosylation. Also called: CDG IIi; CONGENITAL DISORDER OF GLYCOSYLATION, TYPE IIi; COG5-CDG. Identifiers: Orphanet 263487, MedGen C3150876, MONDO:0013325, OMIM 613612.

Submission:

Labcorp Genetics (formerly Invitae), Labcorp
Classification: Uncertain significance for COG5-congenital disorder of glycosylation. Last evaluated: 2022-03-18. Review status: criteria provided, single submitter. Criteria: Invitae Variant Classification Sherloc (09022015). Collection method: clinical testing. Allele origin: germline.
Comment: This sequence change replaces leucine, which is neutral and non-polar, with arginine, which is basic and polar, at codon 176 of the COG5 protein (p.Leu176Arg). This variant is not present in population databases (gnomAD no frequency). This variant has not been reported in the literature in individuals affected with COG5-related conditions. Algorithms developed to predict the effect of missense changes on protein structure and function are either unavailable or do not agree on the potential impact of this missense change (SIFT: "Deleterious"; PolyPhen-2: "Probably Damaging"; Align-GVGD: "Class C0"). In summary, the available evidence is currently insufficient to determine the role of this variant in disease. Therefore, it has been classified as a Variant of Uncertain Significance.

NM_006348.5(COG5):c.434T>G (p.Leu145Arg)

Gene: COG5 (component of oligomeric golgi complex 5; minus strand). Cytogenetic location: 7q22.3.
Variant type: single nucleotide variant.
Coding change: c.434T>G on transcript NM_006348.5 (MANE Select); coding-DNA position 434, T replaced by G.
Protein change: p.Leu145Arg; replaces leucine 145 with arginine.
Molecular consequence: missense variant. On other transcripts: intron variant (1).
Genome position (GRCh38, 1-based): chr7:107,527,341, A>C on the plus strand (T>G on the coding strand, the complement: COG5 is on the minus strand). VCF-style: chr7-107527341-A-C. GRCh37 (hg19) VCF-style: chr7-107167786-A-C.
Other names: c.434T>G, p.Leu145Arg (NM_001161520.2, NM_001379511.1, NM_001379512.1 and 4 more transcripts); c.234+30635T>G (NM_001379516.1); short protein forms L145R.
Identifiers: ClinVar variation 2113466 (VCV002113466.4), dbSNP rs2535531834, ClinGen allele CA368828215.